The following is an entry in ClinVar:

NM_022436.3(ABCG5):c.167A>C (p.Asp56Ala)

Gene: ABCG5 (ATP binding cassette subfamily G member 5; minus strand). Cytogenetic location: 2p21.
Variant type: single nucleotide variant.
Coding change: c.167A>C on transcript NM_022436.3 (MANE Select); coding-DNA position 167, A replaced by C.
Protein change: p.Asp56Ala; replaces aspartic acid 56 with alanine.
Molecular consequence: missense variant.
Genome position (GRCh38, 1-based): chr2:43,837,932, T>G on the plus strand (A>C on the coding strand, the complement: ABCG5 is on the minus strand). VCF-style: chr2-43837932-T-G. GRCh37 (hg19) VCF-style: chr2-44065071-T-G.
Other names: short protein forms D56A.
Identifiers: ClinVar variation 3992570 (VCV003992570.1).
Genomic context (GRCh38, chr2:43,837,932, plus strand): 5'-ACGTACAAGGAGACATCTTTGAGGATCTGCCTGGTCCACTGCTGCCGGCAAGATGTGATG[T>G]CCCACCAGGGCCTCACGCGGTGGCTTTAAAGGAAACCCCAGGAAGGCAAAGGCAGCTTGG-3'
Protein context (NP_071881.1, residues 46-66): SVSHRVRPWW[Asp56Ala]ITSCRQQWTR

ClinVar aggregate classification (germline): Uncertain significance (1 of 4 stars; one submission).

Conditions:
Cardiovascular phenotype. Identifiers: MedGen CN230736.

Submission:

Ambry Genetics
Classification: Uncertain significance for Cardiovascular phenotype. Last evaluated: 2025-06-01. Review status: criteria provided, single submitter. Criteria: Ambry Variant Classification Scheme 2023. Collection method: clinical testing. Allele origin: germline.
Comment: The p.D56A variant (also known as c.167A>C), located in coding exon 2 of the ABCG5 gene, results from an A to C substitution at nucleotide position 167. The aspartic acid at codon 56 is replaced by alanine, an amino acid with dissimilar properties. This amino acid position is conserved. In addition, the in silico prediction for this alteration is inconclusive. Based on the available evidence, the clinical significance of this variant remains unclear.